The following is an entry in ClinVar:

NM_005343.4(HRAS):c.548G>A (p.Ser183Asn)

Genes: HRAS (HRas proto-oncogene, GTPase; minus strand), LRRC56 (leucine rich repeat containing 56; plus strand). Cytogenetic location: 11p15.5.
Variant type: single nucleotide variant.
Coding change: c.548G>A on transcript NM_005343.4 (MANE Select); coding-DNA position 548, G replaced by A.
Protein change: p.Ser183Asn; replaces serine 183 with asparagine.
Molecular consequence: missense variant. On other transcripts: 3 prime UTR variant (1).
Genome position (GRCh38, 1-based): chr11:532,658, C>T on the plus strand (G>A on the coding strand, the complement: HRAS is on the minus strand). VCF-style: chr11-532658-C-T. GRCh37 (hg19) VCF-style: chr11-532658-C-T.
Other names: c.548G>A, p.Ser183Asn (NM_001130442.3); c.311G>A, p.Ser104Asn (NM_001318054.2); c.*117G>A (NM_176795.5); short protein forms S104N, S183N.
Identifiers: ClinVar variation 836160 (VCV000836160.9), dbSNP rs2539783761, ClinGen allele CA378920937.

ClinVar aggregate classification (germline): Uncertain significance. Review status: criteria provided, single submitter (1 of 4 stars). 2 submissions from 2 submitters: Uncertain significance (1). 1 of the submissions does not count toward it. Last evaluated 2023-03-17.

Conditions:
Noonan syndrome (NS). Also called: Noonan's syndrome. Identifiers: Orphanet 648, MedGen C0028326, MeSH D009634, MONDO:0018997. Disease mechanism: gain of function.
Costello syndrome (CSTLO). Also called: HRAS-Related Costello Syndrome; FACIOCUTANEOSKELETAL SYNDROME; FCS SYNDROME. Identifiers: Orphanet 3071, MedGen C0587248, MONDO:0009026, OMIM 218040.

Allele frequency attached by ClinVar (database versions not stated): gnomAD exomes below 0.00001.
gnomAD v4.1: 6 of 1,612,638 alleles (0.00037%); highest among the groups gnomAD compares: Non-Finnish European, 0.00051%; no homozygotes.

Submissions (2):

Labcorp Genetics (formerly Invitae), Labcorp
Classification: Uncertain significance for Costello syndrome. Last evaluated: 2023-03-17. Review status: criteria provided, single submitter. Criteria: Invitae Variant Classification Sherloc (09022015). Collection method: clinical testing. Allele origin: germline.
Comment: Advanced modeling of protein sequence and biophysical properties (such as structural, functional, and spatial information, amino acid conservation, physicochemical variation, residue mobility, and thermodynamic stability) performed at Invitae indicates that this missense variant is not expected to disrupt HRAS protein function. ClinVar contains an entry for this variant (Variation ID: 836160). This variant has not been reported in the literature in individuals affected with HRAS-related conditions. This variant is not present in population databases (gnomAD no frequency). This sequence change replaces serine, which is neutral and polar, with asparagine, which is neutral and polar, at codon 183 of the HRAS protein (p.Ser183Asn). In summary, the available evidence is currently insufficient to determine the role of this variant in disease. Therefore, it has been classified as a Variant of Uncertain Significance.

Service de Génétique Moléculaire, Hôpital Robert Debré
Classification: Likely benign for Noonan syndrome. Review status: no assertion criteria provided. Collection method: clinical testing. Allele origin: paternal. Affected: no. Not counted in ClinVar's aggregate classification.